The following is an entry in ClinVar:

NM_014921.5(ADGRL1):c.2901C>T (p.Cys967=)

Genes: ADGRL1 (adhesion G protein-coupled receptor L1; minus strand), ADGRL1-AS1 (ADGRL1 antisense RNA 1; plus strand). Cytogenetic location: 19p13.12.
Variant type: single nucleotide variant.
Coding change: c.2901C>T on transcript NM_014921.5 (MANE Select); coding-DNA position 2901, C replaced by T.
Protein change: p.Cys967=; no amino-acid change (cysteine 967 retained).
Molecular consequence: synonymous variant.
Genome position (GRCh38, 1-based): chr19:14,156,990, G>A on the plus strand (C>T on the coding strand, the complement: ADGRL1 is on the minus strand). VCF-style: chr19-14156990-G-A. GRCh37 (hg19) VCF-style: chr19-14267802-G-A.
Other names: c.2916C>T, p.Cys972= (NM_001008701.3).
Identifiers: ClinVar variation 4875346 (VCV004875346.2).
Genomic context (GRCh38, chr19:14,156,990, plus strand): 5'-CTCGGTGCCGTAGCTGCGGTAGTCAATGGCAGCCGCGATGCCCACCACCAGGGCCGGGAA[G>A]CAGTAGCCACCCAGGTAGTAGTACTTGGTGCGGGAATACTCGCTCTCAAACACCTCCACT-3'
Protein context (NP_055736.2, residues 957-977): RTKYYYLGGY[Cys967=]FPALVVGIAA

ClinVar aggregate classification (germline): Likely benign (1 of 4 stars; one submission).

gnomAD v4.1: 6 of 1,613,932 alleles (0.00037%); highest among the groups gnomAD compares: Admixed American, 0.01%; no homozygotes.

Submission:

CeGaT Center for Human Genetics Tuebingen
Classification: Likely benign. Last evaluated: 2026-06-01. Review status: criteria provided, single submitter. Criteria: CeGaT Center For Human Genetics Tuebingen Variant Classification Criteria Version 2. Collection method: clinical testing. Allele origin: germline. Affected: yes. Observed: 1 variant allele.
Comment: ADGRL1: BP4, BP7